The following is an entry in ClinVar:

NM_014003.4(DHX38):c.1099C>T (p.Arg367Trp)

Gene: DHX38 (DEAH-box helicase 38; plus strand). Cytogenetic location: 16q22.2.
Variant type: single nucleotide variant.
Coding change: c.1099C>T on transcript NM_014003.4 (MANE Select); coding-DNA position 1099, C replaced by T.
Protein change: p.Arg367Trp; replaces arginine 367 with tryptophan.
Molecular consequence: missense variant.
Genome position (GRCh38, 1-based): chr16:72,099,870, C>T. VCF-style: chr16-72099870-C-T. GRCh37 (hg19) VCF-style: chr16-72133769-C-T.
Other names: short protein forms R367W.
Identifiers: ClinVar variation 843766 (VCV000843766.12), dbSNP rs141665378, ClinGen allele CA8160201.

ClinVar aggregate classification (germline): Uncertain significance. Review status: criteria provided, multiple submitters, no conflicts (2 of 4 stars). 3 submissions from 3 submitters: Uncertain significance (3). Last evaluated 2025-04-17.

Allele frequency attached by ClinVar (database versions not stated): gnomAD 0.00004; gnomAD exomes 0.00005 and 0.00006; TOPMed 0.00005; ExAC 0.00006; ESP Exome Variant Server 0.00008.
gnomAD v4.1: 93 of 1,608,140 alleles (0.0058%); highest among the groups gnomAD compares: Non-Finnish European, 0.0075%; no homozygotes.

Submissions (3):

Labcorp Genetics (formerly Invitae), Labcorp
Classification: Uncertain significance. Last evaluated: 2025-04-17. Review status: criteria provided, single submitter. Criteria: Invitae Variant Classification Sherloc (09022015). Collection method: clinical testing. Allele origin: germline.
Comment: This sequence change replaces arginine, which is basic and polar, with tryptophan, which is neutral and slightly polar, at codon 367 of the DHX38 protein (p.Arg367Trp). This variant is present in population databases (rs141665378, gnomAD 0.009%). This variant has not been reported in the literature in individuals affected with DHX38-related conditions. ClinVar contains an entry for this variant (Variation ID: 843766). Invitae Evidence Modeling of protein sequence and biophysical properties (such as structural, functional, and spatial information, amino acid conservation, physicochemical variation, residue mobility, and thermodynamic stability) indicates that this missense variant is not expected to disrupt DHX38 protein function with a negative predictive value of 80%. In summary, the available evidence is currently insufficient to determine the role of this variant in disease. Therefore, it has been classified as a Variant of Uncertain Significance.

Ambry Genetics
Classification: Uncertain significance. Last evaluated: 2023-01-26. Review status: criteria provided, single submitter. Criteria: Ambry Variant Classification Scheme 2023. Collection method: clinical testing. Allele origin: germline.

Blueprint Genetics
Classification: Uncertain significance. Last evaluated: 2021-10-13. Review status: criteria provided, single submitter. Criteria: ACMG Guidelines, 2015. Collection method: clinical testing. Allele origin: germline.